The following is an entry in ClinVar:

ClinVar aggregate classification (germline): Uncertain significance (1 of 4 stars; one submission).

Submission:

Labcorp Genetics (formerly Invitae), Labcorp
Classification: Uncertain significance. Last evaluated: 2023-07-13. Review status: criteria provided, single submitter. Criteria: Invitae Variant Classification Sherloc (09022015). Collection method: clinical testing. Allele origin: germline.
Comment: This sequence change creates a premature translational stop signal (p.Arg156*) in the ATP5D gene. While this is not anticipated to result in nonsense mediated decay, it is expected to disrupt the last 13 amino acid(s) of the ATP5D protein. The frequency data for this variant in the population databases is considered unreliable, as metrics indicate poor data quality at this position in the gnomAD database. This variant has not been reported in the literature in individuals affected with ATP5D-related conditions. Experimental studies and prediction algorithms are not available or were not evaluated, and the functional significance of this variant is currently unknown. In summary, the available evidence is currently insufficient to determine the role of this variant in disease. Therefore, it has been classified as a Variant of Uncertain Significance.

NM_001687.5(ATP5F1D):c.466C>T (p.Arg156Ter)

Genes: ATP5F1D (ATP synthase F1 subunit delta; plus strand), LOC130062904 (ATAC-STARR-seq lymphoblastoid silent region 9674; plus strand). Cytogenetic location: 19p13.3.
Variant type: single nucleotide variant.
Coding change: c.466C>T on transcript NM_001687.5 (MANE Select); coding-DNA position 466, C replaced by T.
Protein change: p.Arg156Ter; replaces arginine 156 with a stop codon.
Molecular consequence: nonsense.
Genome position (GRCh38, 1-based): chr19:1,244,396, C>T. VCF-style: chr19-1244396-C-T. GRCh37 (hg19) VCF-style: chr19-1244395-C-T.
Other names: c.466C>T, p.Arg156Ter (NM_001001975.2); short protein forms R156*.
Identifiers: ClinVar variation 3018488 (VCV003018488.3), dbSNP rs769336953, ClinGen allele CA9040345.